The following is an entry in ClinVar:

NM_005560.6(LAMA5):c.1902C>T (p.Cys634=)

Gene: LAMA5 (laminin subunit alpha 5; minus strand). Cytogenetic location: 20q13.33.
Variant type: single nucleotide variant.
Coding change: c.1902C>T on transcript NM_005560.6 (MANE Select); coding-DNA position 1902, C replaced by T.
Protein change: p.Cys634=; no amino-acid change (cysteine 634 retained).
Molecular consequence: synonymous variant.
Genome position (GRCh38, 1-based): chr20:62,337,928, G>A on the plus strand (C>T on the coding strand, the complement: LAMA5 is on the minus strand). VCF-style: chr20-62337928-G-A. GRCh37 (hg19) VCF-style: chr20-60912984-G-A.
Identifiers: ClinVar variation 2652489 (VCV002652489.24), dbSNP rs778734470, ClinGen allele CA9943711.

ClinVar aggregate classification (germline): Likely benign (1 of 4 stars; one submission).

Allele frequency attached by ClinVar (database versions not stated): ExAC 0.00001; TOPMed 0.00002; gnomAD 0.00003.

Submission:

CeGaT Center for Human Genetics Tuebingen
Classification: Likely benign. Last evaluated: 2022-12-01. Review status: criteria provided, single submitter. Criteria: CeGaT Center For Human Genetics Tuebingen Variant Classification Criteria Version 2. Collection method: clinical testing. Allele origin: germline. Affected: yes. Observed: 1 variant allele.
Comment: LAMA5: BP4, BP7